The following is an entry in ClinVar:

NM_001080397.3(SLC45A1):c.1911C>T (p.Tyr637=)

Gene: SLC45A1 (solute carrier family 45 member 1; plus strand). Cytogenetic location: 1p36.23.
Variant type: single nucleotide variant.
Coding change: c.1911C>T on transcript NM_001080397.3 (MANE Select); coding-DNA position 1911, C replaced by T.
Protein change: p.Tyr637=; no amino-acid change (tyrosine 637 retained).
Molecular consequence: synonymous variant.
Genome position (GRCh38, 1-based): chr1:8,339,629, C>T. VCF-style: chr1-8339629-C-T. GRCh37 (hg19) VCF-style: chr1-8399689-C-T.
Other names: c.1329C>T, p.Tyr443= (NM_001379617.1); c.1305C>T, p.Tyr435= (NM_001379618.1); c.1935C>T, p.Tyr645= (NM_001379614.1); c.1842C>T, p.Tyr614= (NM_001379615.1); c.1818C>T, p.Tyr606= (NM_001379616.1).
Identifiers: ClinVar variation 2638155 (VCV002638155.24), dbSNP rs371019543, ClinGen allele CA570559.

ClinVar aggregate classification (germline): Likely benign (1 of 4 stars; one submission).

Allele frequency attached by ClinVar (database versions not stated): TOPMed 0.00003.
gnomAD v4.1: 98 of 1,614,132 alleles (0.0061%); highest among the groups gnomAD compares: Middle Eastern, 0.016%; 1 homozygote.

Submission:

CeGaT Center for Human Genetics Tuebingen
Classification: Likely benign. Last evaluated: 2022-10-01. Review status: criteria provided, single submitter. Criteria: CeGaT Center For Human Genetics Tuebingen Variant Classification Criteria Version 2. Collection method: clinical testing. Allele origin: germline. Affected: yes. Observed: 1 variant allele.
Comment: SLC45A1: BP4, BP7